The following is an entry in ClinVar:

ClinVar aggregate classification (germline): Likely benign (1 of 4 stars; one submission).

gnomAD v4.1: 719 of 1,612,296 alleles (0.045%); highest among the groups gnomAD compares: Admixed American, 0.092%; no homozygotes.

Submission:

CeGaT Center for Human Genetics Tuebingen
Classification: Likely benign. Last evaluated: 2026-09-01. Review status: criteria provided, single submitter. Criteria: CeGaT Center For Human Genetics Tuebingen Variant Classification Criteria Version 2. Collection method: clinical testing. Allele origin: germline. Affected: yes. Observed: 1 variant allele.
Comment: FLT1: BP4, BP7

NM_002019.4(FLT1):c.3987G>A (p.Ser1329=)

Gene: FLT1 (fms related receptor tyrosine kinase 1; minus strand). Cytogenetic location: 13q12.3.
Variant type: single nucleotide variant.
Coding change: c.3987G>A on transcript NM_002019.4 (MANE Select); coding-DNA position 3987, G replaced by A.
Protein change: p.Ser1329=; no amino-acid change (serine 1329 retained).
Molecular consequence: synonymous variant.
Genome position (GRCh38, 1-based): chr13:28,303,197, C>T on the plus strand (G>A on the coding strand, the complement: FLT1 is on the minus strand). VCF-style: chr13-28303197-C-T. GRCh37 (hg19) VCF-style: chr13-28877334-C-T.
Identifiers: ClinVar variation 5040958 (VCV005040958.1).